The following is an entry in ClinVar:

NM_001127178.3(PIGG):c.295A>G (p.Lys99Glu)

Gene: PIGG (phosphatidylinositol glycan anchor biosynthesis class G (EMM blood group); plus strand). Cytogenetic location: 4p16.3.
Variant type: single nucleotide variant.
Coding change: c.295A>G on transcript NM_001127178.3 (MANE Select); coding-DNA position 295, A replaced by G.
Protein change: p.Lys99Glu; replaces lysine 99 with glutamic acid.
Molecular consequence: missense variant. On other transcripts: 5 prime UTR variant (5), non-coding transcript variant (10).
Genome position (GRCh38, 1-based): chr4:500,536, A>G. VCF-style: chr4-500536-A-G. GRCh37 (hg19) VCF-style: chr4-494325-A-G.
Other names: c.28A>G, p.Lys10Glu (NM_001289051.2, NM_001289053.2, NM_001289057.2 and 2 more transcripts); c.295A>G, p.Lys99Glu (NM_001289052.2, NM_001345989.2, NM_017733.5); c.-142A>G (NM_001289055.2); c.-593A>G (NM_001345988.2); c.-1331A>G (NM_001345990.2); c.-1193A>G (NM_001345991.2); c.-918A>G (NM_001345994.2); c.295A>G (NM_001127178.2); short protein forms K99E, K10E.
Identifiers: ClinVar variation 1470780 (VCV001470780.6), dbSNP rs140087355, ClinGen allele CA2792949.
Genomic context (GRCh38, chr4:500,536, plus strand): 5'-GATTTTGTGTTTGGGTCAAAGGGTGTGAAATTTATGCCCTACACAACTTACCTTGTGGAA[A>G]AAGGAGCATCTCACAGTTTTGTGGCTGAAGCAAAGCCACCTACAGTTACTATGCCTCGAA-3'
Protein context (NP_001120650.1, residues 89-109): FMPYTTYLVE[Lys99Glu]GASHSFVAEA

ClinVar aggregate classification (germline): Uncertain significance. Review status: criteria provided, single submitter (1 of 4 stars). 2 submissions from 2 submitters: Uncertain significance (1). 1 of the submissions does not count toward it. Last evaluated 2024-10-29.

Conditions:
PIGG-related disorder. Also called: PIGG-related condition.
Intellectual disability, autosomal recessive 53 (NEDHSCA). Also called: GLYCOSYLPHOSPHATIDYLINOSITOL BIOSYNTHESIS DEFECT 13; Mental retardation, autosomal recessive 53; NEURODEVELOPMENTAL DISORDER WITH OR WITHOUT HYPOTONIA, SEIZURES, AND CEREBELLAR ATROPHY. Identifiers: Orphanet 488635, MedGen C4310794, MONDO:0014832, OMIM 616917.

Allele frequency attached by ClinVar (database versions not stated): gnomAD exomes 0.00001 and 0.00004; ExAC 0.00002; gnomAD 0.00004; ESP Exome Variant Server 0.00008; TOPMed 0.00009.
gnomAD v4.1: 19 of 1,613,698 alleles (0.0012%); highest among the groups gnomAD compares: Admixed American, 0.027%; no homozygotes.

Submissions (2):

Labcorp Genetics (formerly Invitae), Labcorp
Classification: Uncertain significance for Intellectual disability, autosomal recessive 53. Last evaluated: 2024-10-29. Review status: criteria provided, single submitter. Criteria: Invitae Variant Classification Sherloc (09022015). Collection method: clinical testing. Allele origin: germline.
Comment: This sequence change replaces lysine, which is basic and polar, with glutamic acid, which is acidic and polar, at codon 99 of the PIGG protein (p.Lys99Glu). This variant is present in population databases (rs140087355, gnomAD 0.02%). This variant has not been reported in the literature in individuals affected with PIGG-related conditions. ClinVar contains an entry for this variant (Variation ID: 1470780). Invitae Evidence Modeling of protein sequence and biophysical properties (such as structural, functional, and spatial information, amino acid conservation, physicochemical variation, residue mobility, and thermodynamic stability) indicates that this missense variant is not expected to disrupt PIGG protein function with a negative predictive value of 80%. In summary, the available evidence is currently insufficient to determine the role of this variant in disease. Therefore, it has been classified as a Variant of Uncertain Significance.

PreventionGenetics, part of Exact Sciences
Classification: Uncertain significance for PIGG-related condition. Last evaluated: 2024-06-10. Review status: no assertion criteria provided. Collection method: clinical testing. Allele origin: germline. Not counted in ClinVar's aggregate classification.
Comment: The PIGG c.295A>G variant is predicted to result in the amino acid substitution p.Lys99Glu. To our knowledge, this variant has not been reported in the literature. This variant is reported in 0.026% of alleles in individuals of Latino descent in gnomAD. At this time, the clinical significance of this variant is uncertain due to the absence of conclusive functional and genetic evidence.